The following is an entry in ClinVar:

NM_001130987.2(DYSF):c.6321G>A (p.Pro2107=)

Gene: DYSF (dysferlin; plus strand). Cytogenetic location: 2p13.2.
Variant type: single nucleotide variant.
Coding change: c.6321G>A on transcript NM_001130987.2 (MANE Select); coding-DNA position 6321, G replaced by A.
Protein change: p.Pro2107=; no amino-acid change (proline 2107 retained).
Molecular consequence: synonymous variant.
Genome position (GRCh38, 1-based): chr2:71,682,677, G>A. VCF-style: chr2-71682677-G-A. GRCh37 (hg19) VCF-style: chr2-71909807-G-A.
Other names: c.6207G>A, p.Pro2069= (NM_001130455.2); c.6162G>A, p.Pro2054= (NM_001130976.2); c.6225G>A, p.Pro2075= (NM_001130977.2); c.6267G>A, p.Pro2089= (NM_001130978.2); c.6297G>A, p.Pro2099= (NM_001130979.2); c.6255G>A, p.Pro2085= (NM_001130980.2); c.6318G>A, p.Pro2106= (NM_001130981.2); c.6300G>A, p.Pro2100= (NM_001130982.2); and 5 more.
Identifiers: ClinVar variation 736606 (VCV000736606.19), dbSNP rs139267208, ClinGen allele CA1707670.
Genomic context (GRCh38, chr2:71,682,677, plus strand): 5'-CCTCTTCATCATCCTCTTCATCCTGCTGCTGTTCCTGGCCATCTTCATCTACGCCTTCCC[G>A]GTGAGCAGGCCTGACGACACTGTGGTGGGGGAACTCTGGGTCTAATGGGGGAGTTCATCA-3'
Protein context (NP_001124459.1, residues 2097-2117): LFLAIFIYAF[Pro2107=]NYAAMKLVKP

ClinVar aggregate classification (germline): Conflicting classifications of pathogenicity. Review status: criteria provided, conflicting classifications (1 of 4 stars). 3 submissions from 3 submitters: Uncertain significance (1); Likely benign (1). 1 of the submissions does not count toward it. Last evaluated 2026-01-20.

Conditions:
Neuromuscular disease caused by qualitative or quantitative defects of dysferlin. Also called: Dysferlinopathy; Qualitative or quantitative defects of dysferlin. Identifiers: Orphanet 207073, MedGen C2931687, MONDO:0016145.
Autosomal recessive limb-girdle muscular dystrophy type 2B (LGMDR2). Also called: Limb-girdle muscular dystrophy, type 2B; MUSCULAR DYSTROPHY, LIMB-GIRDLE, TYPE 3; Limb-Girdle Muscular Dystrophy Type 2B (LGMD2B); MUSCULAR DYSTROPHY, LIMB-GIRDLE, AUTOSOMAL RECESSIVE 2. Identifiers: Orphanet 268, MedGen C1850889, MONDO:0009676, OMIM 253601.

Allele frequency attached by ClinVar (database versions not stated): gnomAD 0.00003 and 0.00005; TOPMed 0.00003; gnomAD exomes 0.00006 and 0.00012; ESP Exome Variant Server 0.00008; 1000 Genomes Project 30x 0.00016; ExAC 0.00017; 1000 Genomes Project 0.00020.
gnomAD v4.1: 95 of 1,613,520 alleles (0.0059%); highest among the groups gnomAD compares: South Asian, 0.074%; 1 homozygote.

Submissions (3):

Labcorp Genetics (formerly Invitae), Labcorp
Classification: Likely benign for Neuromuscular disease caused by qualitative or quantitative defects of dysferlin. Last evaluated: 2026-01-20. Review status: criteria provided, single submitter. Criteria: Invitae Variant Classification Sherloc (09022015). Collection method: clinical testing. Allele origin: germline.

CeGaT Center for Human Genetics Tuebingen
Classification: Uncertain significance. Last evaluated: 2025-09-01. Review status: criteria provided, single submitter. Criteria: CeGaT Center For Human Genetics Tuebingen Variant Classification Criteria Version 2. Collection method: clinical testing. Allele origin: germline. Affected: yes. Observed: 1 variant allele.
Comment: DYSF: PM2:Supporting, BP4

Natera, Inc.
Classification: Uncertain significance for Limb-girdle muscular dystrophy type 2B. Last evaluated: 2020-01-24. Review status: no assertion criteria provided. Collection method: clinical testing. Allele origin: germline. Not counted in ClinVar's aggregate classification.